The following is an entry in ClinVar:

ClinVar aggregate classification (germline): Uncertain significance (1 of 4 stars; one submission).

Conditions:
Charcot-Marie-Tooth disease axonal type 2O. Also called: CHARCOT-MARIE-TOOTH NEUROPATHY, AXONAL, TYPE 2O; CHARCOT-MARIE-TOOTH DISEASE, AXONAL, AUTOSOMAL DOMINANT, TYPE 2O; Charcot-Marie-Tooth Neuropathy Type 2O; Charcot-Marie-Tooth disease, axonal, type 20. Identifiers: Orphanet 284232, MedGen C3280220, MONDO:0013644, OMIM 614228.

Allele frequency attached by ClinVar (database versions not stated): gnomAD exomes below 0.00001; TOPMed 0.00001; gnomAD 0.00003.
gnomAD v4.1: 6 of 1,613,642 alleles (0.00037%); highest among the groups gnomAD compares: Admixed American, 0.01%; no homozygotes.

Submission:

Labcorp Genetics (formerly Invitae), Labcorp
Classification: Uncertain significance for Charcot-Marie-Tooth disease axonal type 2O. Last evaluated: 2021-05-10. Review status: criteria provided, single submitter. Criteria: Invitae Variant Classification Sherloc (09022015). Collection method: clinical testing. Allele origin: germline.
Comment: This variant has not been reported in the literature in individuals with DYNC1H1-related conditions. In summary, the available evidence is currently insufficient to determine the role of this variant in disease. Therefore, it has been classified as a Variant of Uncertain Significance. Algorithms developed to predict the effect of sequence changes on RNA splicing suggest that this variant may create or strengthen a splice site, but this prediction has not been confirmed by published transcriptional studies. Advanced modeling of protein sequence and biophysical properties (such as structural, functional, and spatial information, amino acid conservation, physicochemical variation, residue mobility, and thermodynamic stability) performed at Invitae indicates that this missense variant is not expected to disrupt DYNC1H1 protein function. This variant is not present in population databases (ExAC no frequency). This sequence change replaces alanine with valine at codon 2465 of the DYNC1H1 protein (p.Ala2465Val). The alanine residue is highly conserved and there is a small physicochemical difference between alanine and valine.

NM_001376.5(DYNC1H1):c.7394C>T (p.Ala2465Val)

Gene: DYNC1H1 (dynein cytoplasmic 1 heavy chain 1; plus strand). Cytogenetic location: 14q32.31.
Variant type: single nucleotide variant.
Coding change: c.7394C>T on transcript NM_001376.5 (MANE Select); coding-DNA position 7394, C replaced by T.
Protein change: p.Ala2465Val; replaces alanine 2465 with valine.
Molecular consequence: missense variant.
Genome position (GRCh38, 1-based): chr14:102,016,007, C>T. VCF-style: chr14-102016007-C-T. GRCh37 (hg19) VCF-style: chr14-102482344-C-T.
Other names: short protein forms A2465V.
Identifiers: ClinVar variation 1345349 (VCV001345349.8), dbSNP rs1327313169, ClinGen allele CA391002031.
Genomic context (GRCh38, chr14:102,016,007, plus strand): 5'-ACATCATGGACCTAACACGCCTGCGCTGCCTGGGCTCGCTCTTCTCCATGCTGCACCAGG[C>T]CTGCCGCAACGTGGCGCAGTATAACGCCAACCATCCCGACTTCCCCATGCAGATCGAGCA-3'
Protein context (NP_001367.2, residues 2455-2475): LGSLFSMLHQ[Ala2465Val]CRNVAQYNAN